The following is an entry in ClinVar:

ClinVar aggregate classification (germline): Benign. Review status: criteria provided, multiple submitters, no conflicts (2 of 4 stars). 5 submissions from 5 submitters: Benign (4). 1 of the submissions does not count toward it. Last evaluated 2026-01-31.

Conditions:
FTCD-related disorder. Also called: FTCD-related condition.
Glutamate formiminotransferase deficiency. Also called: Arakawa syndrome 1; Formiminoglutamic aciduria. Identifiers: Orphanet 51208, MedGen C0268609, MONDO:0009240, OMIM 229100.

Allele frequency attached by ClinVar (database versions not stated): ESP Exome Variant Server 0.04952; TOPMed 0.05425; gnomAD 0.05528 and 0.05645; gnomAD exomes 0.05652; 1000 Genomes Project 30x 0.07386; 1000 Genomes Project 0.07728; ExAC 0.08316.
gnomAD v4.1: 76,536 of 1,556,074 alleles (4.9%); highest among the groups gnomAD compares: East Asian, 14%; 2,281 homozygotes.

Submissions (5):

Labcorp Genetics (formerly Invitae), Labcorp
Classification: Benign for Glutamate formiminotransferase deficiency. Last evaluated: 2026-01-31. Review status: criteria provided, single submitter. Criteria: Invitae Variant Classification Sherloc (09022015). Collection method: clinical testing. Allele origin: germline.

Blueprint Genetics
Classification: Benign. Last evaluated: 2024-11-28. Review status: criteria provided, single submitter. Criteria: ACMG Guidelines, 2015. Collection method: clinical testing. Allele origin: germline.

GeneDx
Classification: Benign. Last evaluated: 2019-08-22. Review status: criteria provided, single submitter. Criteria: GeneDx Variant Classification Process June 2021. Collection method: clinical testing. Allele origin: germline. Affected: yes.
Comment: This variant is associated with the following publications: (PMID: 30893314)

Breakthrough Genomics
Classification: Benign. Review status: criteria provided, single submitter. Criteria: ACMG Guidelines, 2015. Collection method: not provided. Allele origin: germline. Inheritance: Autosomal recessive inheritance. Affected: yes.

PreventionGenetics, part of Exact Sciences
Classification: Benign for FTCD-related condition. Last evaluated: 2019-02-27. Review status: no assertion criteria provided. Collection method: clinical testing. Allele origin: germline. Not counted in ClinVar's aggregate classification.
Comment: This variant is classified as benign based on ACMG/AMP sequence variant interpretation guidelines (Richards et al. 2015 PMID: 25741868, with internal and published modifications).

NM_206965.2(FTCD):c.301G>A (p.Val101Met)

Gene: FTCD (formimidoyltransferase cyclodeaminase; minus strand). Cytogenetic location: 21q22.3.
Variant type: single nucleotide variant.
Coding change: c.301G>A on transcript NM_206965.2 (MANE Select); coding-DNA position 301, G replaced by A.
Protein change: p.Val101Met; replaces valine 101 with methionine.
Molecular consequence: missense variant.
Genome position (GRCh38, 1-based): chr21:46,152,973, C>T on the plus strand (G>A on the coding strand, the complement: FTCD is on the minus strand). VCF-style: chr21-46152973-C-T. GRCh37 (hg19) VCF-style: chr21-47572887-C-T.
Other names: c.301G>A (NM_001320412.1); c.301G>A, p.Val101Met (NM_001320412.2, NM_006657.3); short protein forms V101M.
Identifiers: ClinVar variation 340441 (VCV000340441.15), dbSNP rs61735836, ClinGen allele CA10073976.